The following is an entry in ClinVar:

NM_015046.7(SETX):c.1573T>G (p.Ser525Ala)

Gene: SETX (senataxin; minus strand). Cytogenetic location: 9q34.13.
Variant type: single nucleotide variant.
Coding change: c.1573T>G on transcript NM_015046.7 (MANE Select); coding-DNA position 1573, T replaced by G.
Protein change: p.Ser525Ala; replaces serine 525 with alanine.
Molecular consequence: missense variant.
Genome position (GRCh38, 1-based): chr9:132,330,025, A>C on the plus strand (T>G on the coding strand, the complement: SETX is on the minus strand). VCF-style: chr9-132330025-A-C. GRCh37 (hg19) VCF-style: chr9-135205412-A-C.
Other names: c.1573T>G, p.Ser525Ala (NM_001351527.2, NM_001351528.2); short protein forms S525A.
Identifiers: ClinVar variation 1369305 (VCV001369305.19), dbSNP rs2131460183, ClinGen allele CA375342438.

ClinVar aggregate classification (germline): Uncertain significance. Review status: criteria provided, multiple submitters, no conflicts (2 of 4 stars). 2 submissions from 2 submitters: Uncertain significance (2). Last evaluated 2025-01-01.

Conditions:
Amyotrophic lateral sclerosis type 4 (ALS4). Also called: AMYOTROPHIC LATERAL SCLEROSIS 4, JUVENILE; NEURONOPATHY, DISTAL HEREDITARY MOTOR, WITH PYRAMIDAL FEATURES. Identifiers: Orphanet 357043, MedGen C1865409, MONDO:0011223, OMIM 602433.
Spinocerebellar ataxia, autosomal recessive, with axonal neuropathy 2 (SCAN2). Also called: ATAXIA-OCULOMOTOR APRAXIA 2; Ataxia-ocular apraxia-2; Ataxia with Oculomotor Apraxia; Ataxia with Oculomotor Apraxia Type 2. Identifiers: Orphanet 64753, MedGen C1853761, MONDO:0018996, OMIM 606002.

Allele frequency attached by ClinVar (database versions not stated): gnomAD exomes below 0.00001.
gnomAD v4.1: 1 of 1,614,224 alleles (0.000062%); highest among the groups gnomAD compares: Non-Finnish European, 0.000085%; no homozygotes.

Submissions (2):

CeGaT Center for Human Genetics Tuebingen
Classification: Uncertain significance. Last evaluated: 2025-01-01. Review status: criteria provided, single submitter. Criteria: CeGaT Center For Human Genetics Tuebingen Variant Classification Criteria Version 2. Collection method: clinical testing. Allele origin: germline. Affected: yes. Observed: 1 variant allele.
Comment: SETX: PM2, BP4

Labcorp Genetics (formerly Invitae), Labcorp
Classification: Uncertain significance for Amyotrophic lateral sclerosis type 4; Spinocerebellar ataxia, autosomal recessive, with axonal neuropathy 2. Last evaluated: 2021-09-17. Review status: criteria provided, single submitter. Criteria: Invitae Variant Classification Sherloc (09022015). Collection method: clinical testing. Allele origin: germline.
Comment: Advanced modeling of protein sequence and biophysical properties (such as structural, functional, and spatial information, amino acid conservation, physicochemical variation, residue mobility, and thermodynamic stability) performed at Invitae indicates that this missense variant is not expected to disrupt SETX protein function. In summary, the available evidence is currently insufficient to determine the role of this variant in disease. Therefore, it has been classified as a Variant of Uncertain Significance. This variant has not been reported in the literature in individuals affected with SETX-related conditions. This sequence change replaces serine with alanine at codon 525 of the SETX protein (p.Ser525Ala). The serine residue is moderately conserved and there is a moderate physicochemical difference between serine and alanine. This variant is not present in population databases (ExAC no frequency).